The following is an entry in ClinVar:

ClinVar aggregate classification (germline): Likely benign. Review status: criteria provided, multiple submitters, no conflicts (2 of 4 stars). 3 submissions from 3 submitters: Likely benign (3). Last evaluated 2025-04-01.

Conditions:
Hereditary spastic paraplegia 45. Also called: SPASTIC PARAPLEGIA 45; Spastic paraplegia 45, autosomal recessive. Identifiers: Orphanet 320396, MedGen C3888209, MONDO:0013165, OMIM 613162.

Allele frequency attached by ClinVar (database versions not stated): gnomAD 0.00001; gnomAD exomes 0.00001; ESP Exome Variant Server 0.00008.
gnomAD v4.1: 34 of 1,613,998 alleles (0.0021%); highest among the groups gnomAD compares: Middle Eastern, 0.016%; no homozygotes.

Submissions (3):

CeGaT Center for Human Genetics Tuebingen
Classification: Likely benign. Last evaluated: 2025-04-01. Review status: criteria provided, single submitter. Criteria: CeGaT Center For Human Genetics Tuebingen Variant Classification Criteria Version 2. Collection method: clinical testing. Allele origin: germline. Affected: yes. Observed: 1 variant allele.
Comment: NT5C2: BP4, BP7

Blueprint Genetics
Classification: Likely benign. Last evaluated: 2023-11-03. Review status: criteria provided, single submitter. Criteria: ACMG Guidelines, 2015. Collection method: clinical testing. Allele origin: germline.

Labcorp Genetics (formerly Invitae), Labcorp
Classification: Likely benign for Hereditary spastic paraplegia 45. Last evaluated: 2022-11-15. Review status: criteria provided, single submitter. Criteria: Invitae Variant Classification Sherloc (09022015). Collection method: clinical testing. Allele origin: germline.

NM_001351169.2(NT5C2):c.1407G>A (p.Leu469=)

Gene: NT5C2 (5'-nucleotidase, cytosolic II; minus strand). Cytogenetic location: 10q24.32.
Variant type: single nucleotide variant.
Coding change: c.1407G>A on transcript NM_001351169.2 (MANE Select); coding-DNA position 1407, G replaced by A.
Protein change: p.Leu469=; no amino-acid change (leucine 469 retained).
Molecular consequence: synonymous variant.
Genome position (GRCh38, 1-based): chr10:103,090,653, C>T on the plus strand (G>A on the coding strand, the complement: NT5C2 is on the minus strand). VCF-style: chr10-103090653-C-T. GRCh37 (hg19) VCF-style: chr10-104850410-C-T.
Other names: c.1407G>A, p.Leu469= (NM_001134373.3, NM_012229.5); c.1431G>A, p.Leu477= (NM_001351170.2, NM_001351171.2, NM_001351172.2 and 1 more transcripts); c.1320G>A, p.Leu440= (NM_001351174.1); c.1314G>A, p.Leu438= (NM_001351175.2); c.834G>A, p.Leu278= (NM_001351176.2, NM_001351177.2, NM_001351178.2 and 16 more transcripts); c.693G>A, p.Leu231= (NM_001351194.2, NM_001351195.2, NM_001351196.2).
Identifiers: ClinVar variation 772180 (VCV000772180.18), dbSNP rs142965385, ClinGen allele CA212321286.